The following is an entry in ClinVar:

ClinVar aggregate classification (germline): Uncertain significance (0 of 4 stars; one submission).

Conditions:
CRISPLD2-related disorder. Also called: CRISPLD2-related condition.

Allele frequency attached by ClinVar (database versions not stated): ExAC 0.00001.

Submission:

PreventionGenetics, part of Exact Sciences
Classification: Uncertain significance for CRISPLD2-related condition. Last evaluated: 2023-12-27. Review status: no assertion criteria provided. Collection method: clinical testing. Allele origin: germline.
Comment: The CRISPLD2 c.207G>T variant is predicted to result in the amino acid substitution p.Gln69His. To our knowledge, this variant has not been reported in the literature. This variant is reported in 0.0% of alleles in individuals of African descent in gnomAD. At this time, the clinical significance of this variant is uncertain due to the absence of conclusive functional and genetic evidence.

NM_031476.4(CRISPLD2):c.207G>T (p.Gln69His)

Gene: CRISPLD2 (cysteine rich secretory protein LCCL domain containing 2; plus strand). Cytogenetic location: 16q24.1.
Variant type: single nucleotide variant.
Coding change: c.207G>T on transcript NM_031476.4 (MANE Select); coding-DNA position 207, G replaced by T.
Protein change: p.Gln69His; replaces glutamine 69 with histidine.
Molecular consequence: missense variant.
Genome position (GRCh38, 1-based): chr16:84,838,702, G>T. VCF-style: chr16-84838702-G-T. GRCh37 (hg19) VCF-style: chr16-84872308-G-T.
Other names: short protein forms Q69H.
Identifiers: ClinVar variation 3031415 (VCV003031415.2), dbSNP rs750062740, ClinGen allele CA8211368.